The following is an entry in ClinVar:

NC_000008.10:g.(?_30941261)_(30947629_?)del

Gene: WRN (WRN RecQ like helicase; plus strand). Cytogenetic location: 8p12.
Variant type: Deletion.
Identifiers: ClinVar variation 1512602 (VCV001512602.5).

ClinVar aggregate classification (germline): Likely pathogenic (1 of 4 stars; one submission).

Conditions:
Werner syndrome (WRN). Identifiers: Orphanet 902, MedGen C0043119, MONDO:0010196, OMIM 277700.

Submission:

Labcorp Genetics (formerly Invitae), Labcorp
Classification: Likely pathogenic for Werner syndrome. Last evaluated: 2024-01-08. Review status: criteria provided, single submitter. Criteria: Invitae Variant Classification Sherloc (09022015). Collection method: clinical testing. Allele origin: germline.
Comment: This variant results in the deletion of exons 11-13 and part of exon 10 (c.1316_1653-352delins38) of the WRN gene. It is expected to disrupt RNA splicing. Variants that disrupt the donor or acceptor splice site typically lead to a loss of protein function (PMID: 16199547), and loss-of-function variants in WRN are known to be pathogenic (PMID: 16673358). This variant has not been reported in the literature in individuals affected with WRN-related conditions. In summary, the currently available evidence indicates that the variant is pathogenic, but additional data are needed to prove that conclusively. Therefore, this variant has been classified as Likely Pathogenic.

Literature cited by the submitters: PubMed 16199547; PubMed 16673358.